The following is an entry in ClinVar:

NM_014714.4(IFT140):c.974A>G (p.Glu325Gly)

Genes: IFT140 (intraflagellar transport 140; minus strand), LOC105371046 (uncharacterized LOC105371046; plus strand). Cytogenetic location: 16p13.3.
Variant type: single nucleotide variant.
Coding change: c.974A>G on transcript NM_014714.4 (MANE Select); coding-DNA position 974, A replaced by G.
Protein change: p.Glu325Gly; replaces glutamic acid 325 with glycine.
Molecular consequence: missense variant.
Genome position (GRCh38, 1-based): chr16:1,587,233, T>C on the plus strand (A>G on the coding strand, the complement: IFT140 is on the minus strand). VCF-style: chr16-1587233-T-C. GRCh37 (hg19) VCF-style: chr16-1637234-T-C.
Other names: short protein forms E325G.
Identifiers: ClinVar variation 2103743 (VCV002103743.4), dbSNP rs2507865687, ClinGen allele CA394216776.

ClinVar aggregate classification (germline): Uncertain significance (1 of 4 stars; one submission).

Conditions:
Saldino-Mainzer syndrome (SRTD9). Also called: CONORENAL SYNDROME; Renal dysplasia, retinal pigmentary dystrophy, cerebellar ataxia and skeletal dysplasia; SHORT-RIB THORACIC DYSPLASIA 9 WITHOUT POLYDACTYLY; short-rib thoracic dysplasia 9 with or without polydactyly. Identifiers: Orphanet 140969, MedGen C1849437, MONDO:0009964, OMIM 266920.

Submission:

Labcorp Genetics (formerly Invitae), Labcorp
Classification: Uncertain significance for Saldino-Mainzer syndrome. Last evaluated: 2022-02-26. Review status: criteria provided, single submitter. Criteria: Invitae Variant Classification Sherloc (09022015). Collection method: clinical testing. Allele origin: germline.
Comment: This sequence change replaces glutamic acid, which is acidic and polar, with glycine, which is neutral and non-polar, at codon 325 of the IFT140 protein (p.Glu325Gly). This variant is not present in population databases (gnomAD no frequency). In summary, the available evidence is currently insufficient to determine the role of this variant in disease. Therefore, it has been classified as a Variant of Uncertain Significance. Algorithms developed to predict the effect of missense changes on protein structure and function are either unavailable or do not agree on the potential impact of this missense change (SIFT: "Deleterious"; PolyPhen-2: "Possibly Damaging"; Align-GVGD: "Class C0"). This variant has not been reported in the literature in individuals affected with IFT140-related conditions.